The following is an entry in ClinVar:

ClinVar aggregate classification (germline): Uncertain significance. Review status: criteria provided, multiple submitters, no conflicts (2 of 4 stars). 2 submissions from 2 submitters: Uncertain significance (2). Last evaluated 2025-11-04.

Conditions:
Inborn genetic diseases. Identifiers: MedGen C0950123, MeSH D030342.

Allele frequency attached by ClinVar (database versions not stated): ExAC 0.00012; 1000 Genomes Project 0.00020; gnomAD 0.00024; TOPMed 0.00028; 1000 Genomes Project 30x 0.00031.
gnomAD v4.1: 99 of 1,613,954 alleles (0.0061%); highest among the groups gnomAD compares: African/African-American, 0.075%; no homozygotes.

Submissions (2):

Greenwood Genetic Center Diagnostic Laboratories, Greenwood Genetic Center
Classification: Uncertain significance. Last evaluated: 2025-11-04. Review status: criteria provided, single submitter. Criteria: ACMG Guidelines, 2015. Collection method: clinical testing. Allele origin: germline. Affected: yes.
Comment: PM2

Ambry Genetics
Classification: Uncertain significance for Inborn genetic diseases. Last evaluated: 2025-09-26. Review status: criteria provided, single submitter. Criteria: Ambry Variant Classification Scheme 2023. Collection method: clinical testing. Allele origin: germline.
Comment: The c.1372G>A (p.V458M) alteration is located in exon 12 (coding exon 12) of the ATAD3A gene. This alteration results from a G to A substitution at nucleotide position 1372, causing the valine (V) at amino acid position 458 to be replaced by a methionine (M). Based on data from gnomAD, the A allele has an overall frequency of 0.01% (27/282734) total alleles studied. The highest observed frequency was 0.084% (21/24946) of African alleles. Based on insufficient or conflicting evidence, the clinical significance of this alteration remains unclear.

NM_001170535.3(ATAD3A):c.1228G>A (p.Val410Met)

Gene: ATAD3A (ATPase family AAA domain containing 3A; plus strand). Cytogenetic location: 1p36.33.
Variant type: single nucleotide variant.
Coding change: c.1228G>A on transcript NM_001170535.3 (MANE Select); coding-DNA position 1228, G replaced by A.
Protein change: p.Val410Met; replaces valine 410 with methionine.
Molecular consequence: missense variant.
Genome position (GRCh38, 1-based): chr1:1,525,253, G>A. VCF-style: chr1-1525253-G-A. GRCh37 (hg19) VCF-style: chr1-1460633-G-A.
Other names: c.991G>A, p.Val331Met (NM_001170536.3); c.1372G>A, p.Val458Met (NM_018188.5); short protein forms V331M, V410M, V458M.
Identifiers: ClinVar variation 2595386 (VCV002595386.4), dbSNP rs544239006, ClinGen allele CA526280.
Genomic context (GRCh38, chr1:1,525,253, plus strand): 5'-GCTCCTGGTGTCACTCTCGCCCTGCTTGGCCTCCCTCTCGTTCACAGCCTCCTGCTCTTT[G>A]TGGATGAAGCGGACGCCTTCCTTCGGAAGCGAGCCACCGTGAGTGTCACTAAGCCTCTGG-3'
Protein context (NP_001164006.1, residues 400-420): NTSRRGLLLF[Val410Met]DEADAFLRKR